The following is an entry in ClinVar:

NM_138370.3(PKDCC):c.478G>T (p.Gly160Cys)

Genes: PKDCC (protein kinase domain containing, cytoplasmic; plus strand), LOC129933566 (ATAC-STARR-seq lymphoblastoid active region 15635; plus strand). Cytogenetic location: 2p21.
Variant type: single nucleotide variant.
Coding change: c.478G>T on transcript NM_138370.3 (MANE Select); coding-DNA position 478, G replaced by T.
Protein change: p.Gly160Cys; replaces glycine 160 with cysteine.
Molecular consequence: missense variant.
Genome position (GRCh38, 1-based): chr2:42,048,677, G>T. VCF-style: chr2-42048677-G-T. GRCh37 (hg19) VCF-style: chr2-42275817-G-T.
Other names: short protein forms G160C.
Identifiers: ClinVar variation 1390237 (VCV001390237.6), dbSNP rs758488715, ClinGen allele CA1627906.

ClinVar aggregate classification (germline): Uncertain significance (1 of 4 stars; one submission).

Allele frequency attached by ClinVar (database versions not stated): gnomAD exomes below 0.00001.
gnomAD v4.1: 6 of 1,547,398 alleles (0.00039%); highest among the groups gnomAD compares: African/African-American, 0.0082%; no homozygotes.

Submission:

Labcorp Genetics (formerly Invitae), Labcorp
Classification: Uncertain significance. Last evaluated: 2022-07-12. Review status: criteria provided, single submitter. Criteria: Invitae Variant Classification Sherloc (09022015). Collection method: clinical testing. Allele origin: germline.
Comment: In summary, the available evidence is currently insufficient to determine the role of this variant in disease. Therefore, it has been classified as a Variant of Uncertain Significance. Algorithms developed to predict the effect of missense changes on protein structure and function are either unavailable or do not agree on the potential impact of this missense change (SIFT: "Deleterious"; PolyPhen-2: "Possibly Damaging"; Align-GVGD: "Class C0"). ClinVar contains an entry for this variant (Variation ID: 1390237). This variant has not been reported in the literature in individuals affected with PKDCC-related conditions. This variant is present in population databases (rs758488715, gnomAD 0.007%). This sequence change replaces glycine, which is neutral and non-polar, with cysteine, which is neutral and slightly polar, at codon 160 of the PKDCC protein (p.Gly160Cys).